The following is an entry in ClinVar:

NM_015294.6(TRIM37):c.2430C>T (p.Pro810=)

Gene: TRIM37 (tripartite motif containing 37; minus strand). Cytogenetic location: 17q22.
Variant type: single nucleotide variant.
Coding change: c.2430C>T on transcript NM_015294.6 (MANE Select); coding-DNA position 2430, C replaced by T.
Protein change: p.Pro810=; no amino-acid change (proline 810 retained).
Molecular consequence: synonymous variant. On other transcripts: non-coding transcript variant (2).
Genome position (GRCh38, 1-based): chr17:59,015,756, G>A on the plus strand (C>T on the coding strand, the complement: TRIM37 is on the minus strand). VCF-style: chr17-59015756-G-A. GRCh37 (hg19) VCF-style: chr17-57093117-G-A.
Other names: c.2430C>T, p.Pro810= (NM_001005207.5, NM_001320988.3, NM_001320989.3 and 1 more transcripts); c.2328C>T, p.Pro776= (NM_001320987.3, NM_001353082.2); c.2064C>T, p.Pro688= (NM_001320990.3); c.1695C>T, p.Pro565= (NM_001353083.2); c.1968C>T, p.Pro656= (NM_001353085.2); c.2379C>T, p.Pro793= (NM_001353086.2).
Identifiers: ClinVar variation 324195 (VCV000324195.38), dbSNP rs147639509, ClinGen allele CA8678039.

ClinVar aggregate classification (germline): Conflicting classifications of pathogenicity. Review status: criteria provided, conflicting classifications (1 of 4 stars). 5 submissions from 5 submitters: Uncertain significance (1); Benign (1); Likely benign (2). 1 of the submissions does not count toward it. Last evaluated 2025-11-10.

Conditions:
TRIM37-related disorder. Also called: TRIM37-related condition.
Mulibrey nanism syndrome. Also called: PERHEENTUPA SYNDROME; PERICARDIAL CONSTRICTION AND GROWTH FAILURE; MUSCLE-LIVER-BRAIN-EYE NANISM. Identifiers: Orphanet 2576, MedGen C0524582, MONDO:0009664, OMIM 253250.

Allele frequency attached by ClinVar (database versions not stated): TOPMed 0.00037; gnomAD 0.00039 and 0.00041; ESP Exome Variant Server 0.00046; gnomAD exomes 0.00083 and 0.00034; ExAC 0.00031.
gnomAD v4.1: 1,250 of 1,613,754 alleles (0.077%); highest among the groups gnomAD compares: Non-Finnish European, 0.1%; 1 homozygote.

Submissions (5):

Labcorp Genetics (formerly Invitae), Labcorp
Classification: Likely benign. Last evaluated: 2025-11-10. Review status: criteria provided, single submitter. Criteria: Invitae Variant Classification Sherloc (09022015). Collection method: clinical testing. Allele origin: germline.

Laboratory of Genetics, Children's Clinical University Hospital Latvia
Classification: Benign. Last evaluated: 2025-02-16. Review status: criteria provided, single submitter. Criteria: ACMG Guidelines, 2015. Collection method: clinical testing. Allele origin: germline. Affected: yes.

CeGaT Center for Human Genetics Tuebingen
Classification: Likely benign. Last evaluated: 2023-12-01. Review status: criteria provided, single submitter. Criteria: CeGaT Center For Human Genetics Tuebingen Variant Classification Criteria Version 2. Collection method: clinical testing. Allele origin: germline. Affected: yes. Observed: 1 variant allele.
Comment: TRIM37: BP4, BP7

Illumina Laboratory Services, Illumina
Classification: Uncertain significance for Mulibrey nanism syndrome. Last evaluated: 2018-01-12. Review status: criteria provided, single submitter. Criteria: ICSL Variant Classification Criteria 13 December 2019. Collection method: clinical testing. Allele origin: germline.

PreventionGenetics, part of Exact Sciences
Classification: Likely benign for TRIM37-related condition. Last evaluated: 2019-02-19. Review status: no assertion criteria provided. Collection method: clinical testing. Allele origin: germline. Not counted in ClinVar's aggregate classification.
Comment: This variant is classified as likely benign based on ACMG/AMP sequence variant interpretation guidelines (Richards et al. 2015 PMID: 25741868, with internal and published modifications).